The following is an entry in ClinVar:

ClinVar aggregate classification (germline): Uncertain significance. Review status: criteria provided, multiple submitters, no conflicts (2 of 4 stars). 4 submissions from 4 submitters: Uncertain significance (4). Last evaluated 2025-06-23.

Conditions:
Marfan syndrome (MFS). Also called: FBN1-Related Marfan Syndrome; MARFAN SYNDROME, TYPE I; Marfan syndrome type 1; Marfan's syndrome; Marfan syndrome, classic. Identifiers: Orphanet 284963, Orphanet 558, MedGen C0024796, MONDO:0007947, OMIM 154700.
Familial thoracic aortic aneurysm and aortic dissection (TAAD). Also called: Thoracic aortic aneurysms and dissections. Identifiers: Orphanet 91387, MedGen C4707243, MONDO:0019625.

Allele frequency attached by ClinVar (database versions not stated): ExAC 0.00002.
gnomAD v4.1: 11 of 1,613,570 alleles (0.00068%); highest among the groups gnomAD compares: Middle Eastern, 0.033%; 1 homozygote.

Submissions (4):

Women's Health and Genetics/Laboratory Corporation of America, LabCorp
Classification: Uncertain significance. Last evaluated: 2025-06-23. Review status: criteria provided, single submitter. Criteria: LabCorp Variant Classification Summary - May 2015. Collection method: clinical testing. Allele origin: germline.
Comment: Variant summary: FBN1 c.31C>G (p.Leu11Val) results in a conservative amino acid change in the encoded protein sequence. Algorithms developed to predict the effect of missense changes on protein structure and function all suggest that this variant is likely to be tolerated. The variant allele was found at a frequency of 8e-06 in 250510 control chromosomes. The available data on variant occurrences in the general population are insufficient to allow any conclusion about variant significance. To our knowledge, no occurrence of c.31C>G in individuals affected with Aortopathy and no experimental evidence demonstrating its impact on protein function have been reported. ClinVar contains an entry for this variant (Variation ID: 2773410). Based on the evidence outlined above, the variant was classified as uncertain significance.

Color Diagnostics, LLC DBA Color Health
Classification: Uncertain significance for Familial thoracic aortic aneurysm and aortic dissection. Last evaluated: 2025-06-11. Review status: criteria provided, single submitter. Criteria: ACMG Guidelines, 2015. Collection method: clinical testing. Allele origin: germline.
Comment: This missense variant replaces leucine with valine at codon 11 of the FBN1 protein. Computational prediction suggests that this variant may not impact protein structure and function. To our knowledge, functional studies have not been reported for this variant. This variant has not been reported in individuals affected with cardiovascular disorders in the literature. This variant has been identified in 2/250510 chromosomes in the general population by the Genome Aggregation Database (gnomAD). The available evidence is insufficient to determine the role of this variant in disease conclusively. Therefore, this variant is classified as a Variant of Uncertain Significance.

Blueprint Genetics
Classification: Uncertain significance. Last evaluated: 2023-12-28. Review status: criteria provided, single submitter. Criteria: ACMG Guidelines, 2015. Collection method: clinical testing. Allele origin: germline.

Labcorp Genetics (formerly Invitae), Labcorp
Classification: Uncertain significance for Marfan syndrome; Familial thoracic aortic aneurysm and aortic dissection. Last evaluated: 2022-12-12. Review status: criteria provided, single submitter. Criteria: Invitae Variant Classification Sherloc (09022015). Collection method: clinical testing. Allele origin: germline.
Comment: This variant has not been reported in the literature in individuals affected with FBN1-related conditions. In summary, the available evidence is currently insufficient to determine the role of this variant in disease. Therefore, it has been classified as a Variant of Uncertain Significance. This variant disrupts the p.Leu11 amino acid residue in FBN1. Other variant(s) that disrupt this residue have been determined to be pathogenic (PMID: 21542060, 29907982). This suggests that this residue is clinically significant, and that variants that disrupt this residue are likely to be disease-causing. Advanced modeling of protein sequence and biophysical properties (such as structural, functional, and spatial information, amino acid conservation, physicochemical variation, residue mobility, and thermodynamic stability) performed at Invitae indicates that this missense variant is not expected to disrupt FBN1 protein function. This variant is present in population databases (rs762468661, gnomAD 0.01%). This sequence change replaces leucine, which is neutral and non-polar, with valine, which is neutral and non-polar, at codon 11 of the FBN1 protein (p.Leu11Val).

Literature cited by the submitters: PubMed 21542060 (cited by Labcorp Genetics (formerly Invitae), Labcorp); PubMed 29907982 (cited by Labcorp Genetics (formerly Invitae), Labcorp).

NM_000138.5(FBN1):c.31C>G (p.Leu11Val)

Gene: FBN1 (fibrillin 1; minus strand). Cytogenetic location: 15q21.1.
Variant type: single nucleotide variant.
Coding change: c.31C>G on transcript NM_000138.5 (MANE Select); coding-DNA position 31, C replaced by G.
Protein change: p.Leu11Val; replaces leucine 11 with valine.
Molecular consequence: missense variant.
Genome position (GRCh38, 1-based): chr15:48,644,739, G>C on the plus strand (C>G on the coding strand, the complement: FBN1 is on the minus strand). VCF-style: chr15-48644739-G-C. GRCh37 (hg19) VCF-style: chr15-48936936-G-C.
Other names: c.31C>G, p.Leu11Val (NM_001406716.1, NM_001406717.1, NM_001406718.1); short protein forms L11V.
Identifiers: ClinVar variation 2773410 (VCV002773410.8), dbSNP rs762468661, ClinGen allele CA050021.
Genomic context (GRCh38, chr15:48,644,739, plus strand): 5'-CCTCCAAATTGGCGTCCGCCCCATGGCTCGTGTAGGACGCTAAAAGCACGGTAAATCCCA[G>C]GGCGATCTCCAGCAGACGCCCTCGACGCATGATGCCGAGCCGCCACCGGCTCCCGCCGCC-3'
Protein context (NP_000129.3, residues 1-21): MRRGRLLEIA[Leu11Val]GFTVLLASYT